The following is an entry in ClinVar:

NM_001005242.3(PKP2):c.387G>A (p.Gln129=)

Gene: PKP2 (plakophilin 2; minus strand). Cytogenetic location: 12p11.21.
Variant type: single nucleotide variant.
Coding change: c.387G>A on transcript NM_001005242.3 (MANE Select); coding-DNA position 387, G replaced by A.
Protein change: p.Gln129=; no amino-acid change (glutamine 129 retained).
Molecular consequence: synonymous variant.
Genome position (GRCh38, 1-based): chr12:32,878,493, C>T on the plus strand (G>A on the coding strand, the complement: PKP2 is on the minus strand). VCF-style: chr12-32878493-C-T. GRCh37 (hg19) VCF-style: chr12-33031427-C-T.
Other names: p.Q129Q:CAG>CAA; c.387G>A, p.Gln129= (NM_004572.4).
Identifiers: ClinVar variation 201960 (VCV000201960.50), dbSNP rs768974835, ClinGen allele CA012292.

ClinVar aggregate classification (germline): Conflicting classifications of pathogenicity. Review status: criteria provided, conflicting classifications (1 of 4 stars). 7 submissions from 7 submitters: Uncertain significance (1); Benign (1); Likely benign (5). Last evaluated 2025-10-11.

Conditions:
Cardiovascular phenotype. Identifiers: MedGen CN230736.
Cardiomyopathy (CMYO). Also called: Cardiomyopathies. Identifiers: Orphanet 167848, MedGen C0878544, MONDO:0004994, HP:0001638. Inheritance: Various modes of inheritance.
Arrhythmogenic right ventricular cardiomyopathy (ARVD). Also called: Arrhythmogenic right ventricular dysplasia; Cardiomyopathy, ARVC; Arrhythmogenic cardiomyopathy; Arrhythmogenic Right Ventricular Cardiomyopathy (ARVC). Identifiers: Orphanet 247, MedGen C0349788, MeSH D019571, MONDO:0016587. Disease mechanism: loss of function. Inheritance: Various modes of inheritance.
Arrhythmogenic right ventricular dysplasia 9 (ARVD9). Also called: Arrhythmogenic Right Ventricular Dysplasia/Cardiomyopathy 9; ARRHYTHMOGENIC RIGHT VENTRICULAR DYSPLASIA, FAMILIAL, 9. Identifiers: MedGen C1836906, MONDO:0012180, OMIM 609040.

Allele frequency attached by ClinVar (database versions not stated): ExAC 0.00001; gnomAD 0.00001 and 0.00002; TOPMed 0.00002; gnomAD exomes 0.00004.
gnomAD v4.1: 54 of 1,612,734 alleles (0.0033%); highest among the groups gnomAD compares: Middle Eastern, 0.016%; no homozygotes.

Submissions (7):

Labcorp Genetics (formerly Invitae), Labcorp
Classification: Likely benign for Arrhythmogenic right ventricular dysplasia 9. Last evaluated: 2025-10-11. Review status: criteria provided, single submitter. Criteria: Invitae Variant Classification Sherloc (09022015). Collection method: clinical testing. Allele origin: germline.

All of Us Research Program, National Institutes of Health
Classification: Likely benign for Arrhythmogenic right ventricular cardiomyopathy. Last evaluated: 2023-12-13. Review status: criteria provided, single submitter. Criteria: ACMG Guidelines, 2015. Collection method: clinical testing. Allele origin: germline. Inheritance: Autosomal dominant inheritance. Observed: 11 variant alleles, 11 heterozygotes.
Comment: This study involves interpretation of variants in research participants for the purpose of population health screening. Participant phenotype was not available at the time of variant classification. Additional details can be found in publication PMID: 35346344, PMCID: PMC8962531

CeGaT Center for Human Genetics Tuebingen
Classification: Likely benign. Last evaluated: 2022-10-01. Review status: criteria provided, single submitter. Criteria: CeGaT Center For Human Genetics Tuebingen Variant Classification Criteria Version 2. Collection method: clinical testing. Allele origin: germline. Affected: yes. Observed: 2 variant alleles.
Comment: PKP2: BP4, BP7

Ambry Genetics
Classification: Likely benign for Cardiovascular phenotype. Last evaluated: 2019-02-13. Review status: criteria provided, single submitter. Criteria: Ambry Variant Classification Scheme 2023. Collection method: clinical testing. Allele origin: germline.

Color Diagnostics, LLC DBA Color Health
Classification: Likely benign for Cardiomyopathy. Last evaluated: 2018-12-01. Review status: criteria provided, single submitter. Criteria: ACMG Guidelines, 2015. Collection method: clinical testing. Allele origin: germline.

Illumina Laboratory Services, Illumina
Classification: Uncertain significance for Arrhythmogenic right ventricular dysplasia 9. Last evaluated: 2018-01-13. Review status: criteria provided, single submitter. Criteria: ICSL Variant Classification Criteria 13 December 2019. Collection method: clinical testing. Allele origin: germline.

GeneDx
Classification: Benign. Last evaluated: 2014-07-02. Review status: criteria provided, single submitter. Criteria: GeneDx Variant Classification (06012015). Collection method: clinical testing. Allele origin: germline. Affected: yes.
Comment: This variant is considered likely benign or benign based on one or more of the following criteria: it is a conservative change, it occurs at a poorly conserved position in the protein, it is predicted to be benign by multiple in silico algorithms, and/or has population frequency not consistent with disease.